The following is an entry in ClinVar:

ClinVar aggregate classification (germline): Pathogenic (1 of 4 stars; one submission).

Submission:

ISCA site 4
Classification: Pathogenic. Last evaluated: 2011-08-12. Review status: criteria provided, single submitter. Criteria: Kaminsky et al. (Genet Med. 2011). Collection method: clinical testing. Allele origin: unknown. Affected: yes. Observed: 2 variant alleles.
Comment: Copy number variation identified through the course of routine clinical cytogenomic testing in postnatal populations. Clinical assertions have been curated as described in Kaminsky et al. 2011.

GRCh38/hg38 1p36.33-36.32(chr1:844347-3319395)x1

Genes: ACAP3 (ArfGAP with coiled-coil, ankyrin repeat and PH domains 3; minus strand), ACTRT2 (actin related protein T2; plus strand), AGRN (agrin; plus strand), ANKRD65 (ankyrin repeat domain 65; minus strand), ANKRD65-AS1 (ANKRD65 antisense RNA 1; plus strand) and 267 more. Cytogenetic location: 1p36.33-36.32.
Variant type: copy number loss.
Change: copy number 1 (one copy instead of two) of chr1:844,347-3,319,395 (2.48 Mb, GRCh38 coordinates, 1-based), cytogenetic band 1p36.33-36.32.
Identifiers: ClinVar variation 57052 (VCV000057052.1).